The following is an entry in ClinVar:

ClinVar aggregate classification (germline): Uncertain significance (1 of 4 stars; one submission).

Submission:

GeneDx
Classification: Uncertain significance. Last evaluated: 2019-11-06. Review status: criteria provided, single submitter. Criteria: GeneDx Variant Classification Process June 2021. Collection method: clinical testing. Allele origin: germline. Affected: yes.
Comment: Not observed in large population cohorts (Lek et al., 2016); In silico analysis, which includes protein predictors and evolutionary conservation, supports a deleterious effect; Has not been previously published as pathogenic or benign to our knowledge

NM_001385012.1(NBEA):c.2633A>G (p.Asn878Ser)

Gene: NBEA (neurobeachin; plus strand). Cytogenetic location: 13q13.3.
Variant type: single nucleotide variant.
Coding change: c.2633A>G on transcript NM_001385012.1 (MANE Select); coding-DNA position 2633, A replaced by G.
Protein change: p.Asn878Ser; replaces asparagine 878 with serine.
Molecular consequence: missense variant.
Genome position (GRCh38, 1-based): chr13:35,156,188, A>G. VCF-style: chr13-35156188-A-G. GRCh37 (hg19) VCF-style: chr13-35730325-A-G.
Other names: c.2633A>G, p.Asn878Ser (NM_001379245.1, NM_015678.5); short protein forms N878S.
Identifiers: ClinVar variation 1318943 (VCV001318943.2), dbSNP rs781378545, ClinGen allele CA387835292.